The following is an entry in ClinVar:

ClinVar aggregate classification (germline): Pathogenic. Review status: criteria provided, multiple submitters, no conflicts (2 of 4 stars). 2 submissions from 2 submitters: Pathogenic (2). Last evaluated 2025-12-15.

Conditions:
Lynch syndrome 5 (LYNCH5). Also called: Colorectal cancer, hereditary nonpolyposis, type 5; Hereditary non-polyposis colorectal cancer, type 5. Identifiers: Orphanet 144, MedGen C1833477, MONDO:0013710, OMIM 614350. Disease mechanism: loss of function.
Hereditary cancer-predisposing syndrome. Also called: Tumor predisposition; Hereditary Cancer Syndrome; Hereditary neoplastic syndrome; Neoplastic Syndromes, Hereditary. Identifiers: Orphanet 140162, MedGen C0027672, MeSH D009386, MONDO:0015356.

Submissions (2):

Ambry Genetics
Classification: Pathogenic for Hereditary cancer-predisposing syndrome. Last evaluated: 2025-12-15. Review status: criteria provided, single submitter. Criteria: Ambry Variant Classification Scheme 2023. Collection method: clinical testing. Allele origin: germline.
Comment: The c.1809_1813delGGAAA pathogenic mutation, located in coding exon 4 of the MSH6 gene, results from a deletion of 5 nucleotides at nucleotide positions 1809 to 1813, causing a translational frameshift with a predicted alternate stop codon (p.K603Nfs*2). This variant is considered to be rare based on population cohorts in the Genome Aggregation Database (gnomAD). This alteration is expected to result in loss of function by premature protein truncation or nonsense-mediated mRNA decay. As such, this alteration is interpreted as a disease-causing mutation.

Myriad Genetics, Inc.
Classification: Pathogenic for Lynch syndrome 5. Last evaluated: 2023-08-15. Review status: criteria provided, single submitter. Criteria: Myriad Autosomal Dominant, Autosomal Recessive and X-Linked Classification Criteria (2023). Collection method: clinical testing. Allele origin: unknown.
Comment: This variant is considered pathogenic. This variant creates a frameshift predicted to result in premature protein truncation.

NM_000179.3(MSH6):c.1809_1813del (p.Lys603fs)

Gene: MSH6 (mutS homolog 6; plus strand). Cytogenetic location: 2p16.3.
Variant type: Deletion.
Coding change: c.1809_1813del on transcript NM_000179.3 (MANE Select); coding-DNA positions 1809 to 1813, 5 bases deleted (GGAAA; older notation c.1809_1813delGGAAA).
Protein change: p.Lys603fs; shifts the reading frame from lysine 603.
Molecular consequence: frameshift variant.
Genome position (GRCh38, 1-based): chr2:47,799,792-47,799,796, GGAAA deleted; deleting any 5 consecutive bases within chr2:47,799,789-47,799,796 gives the same sequence; the c. name uses the placement nearest the transcript's 3' end. VCF-style (leftmost placement, unchanged base first): chr2-47799788-CAAAGG-C. GRCh37 (hg19) VCF-style: chr2-48026927-CAAAGG-C.
Other names: c.1419_1423del, p.Lys473fs (NM_001281492.2); c.903_907del, p.Lys301fs (NM_001281493.2, NM_001281494.2); c.1905_1909delGGAAA, p.Lys635Asnfs (NM_001406795.1, NM_001406802.1); c.1809_1813delGGAAA, p.Lys603Asnfs (NM_001406796.1, NM_001406798.1, NM_001406800.1 and 3 more transcripts); c.1512_1516delGGAAA, p.Lys504Asnfs (NM_001406797.1, NM_001406801.1, NM_001406805.1 and 10 more transcripts); c.1284_1288delGGAAA, p.Lys428Asnfs (NM_001406799.1, NM_001406806.1, NM_001406807.1); c.1731_1735delGGAAA, p.Lys577Asnfs (NM_001406804.1); c.903_907delGGAAA, p.Lys301Asnfs (NM_001406811.1, NM_001406812.1, NM_001406814.1 and 4 more transcripts); and 2 more; short protein forms K603fs, K301fs, K473fs.
Identifiers: ClinVar variation 1780516 (VCV001780516.4), dbSNP rs2530631289, ClinGen allele CA2580067700.